The following is an entry in ClinVar:

NM_006231.4(POLE):c.2998G>C (p.Glu1000Gln)

Gene: POLE (DNA polymerase epsilon, catalytic subunit; minus strand). Cytogenetic location: 12q24.33.
Variant type: single nucleotide variant.
Coding change: c.2998G>C on transcript NM_006231.4 (MANE Select); coding-DNA position 2998, G replaced by C.
Protein change: p.Glu1000Gln; replaces glutamic acid 1000 with glutamine.
Molecular consequence: missense variant.
Genome position (GRCh38, 1-based): chr12:132,661,031, C>G on the plus strand (G>C on the coding strand, the complement: POLE is on the minus strand). VCF-style: chr12-132661031-C-G. GRCh37 (hg19) VCF-style: chr12-133237617-C-G.
Other names: short protein forms E1000Q.
Identifiers: ClinVar variation 5027131 (VCV005027131.1).

ClinVar aggregate classification (germline): Uncertain significance (1 of 4 stars; one submission).

Conditions:
Hereditary cancer-predisposing syndrome. Also called: Neoplastic Syndromes, Hereditary; Tumor predisposition; Hereditary neoplastic syndrome; Hereditary Cancer Syndrome. Identifiers: Orphanet 140162, MedGen C0027672, MeSH D009386, MONDO:0015356.

Submission:

Ambry Genetics
Classification: Uncertain significance for Hereditary cancer-predisposing syndrome. Last evaluated: 2026-09-02. Review status: criteria provided, single submitter. Criteria: Ambry Variant Classification Scheme 2023. Collection method: clinical testing. Allele origin: germline.
Comment: The p.E1000Q variant (also known as c.2998G>C), located in coding exon 25 of the POLE gene, results from a G to C substitution at nucleotide position 2998. The glutamic acid at codon 1000 is replaced by glutamine, an amino acid with highly similar properties. This amino acid position is conserved. In addition, this alteration is predicted to be tolerated by in silico analysis. Based on the available evidence, the clinical significance of this variant remains unclear.